The following is an entry in ClinVar:

NM_018062.4(FANCL):c.692G>A (p.Gly231Asp)

Gene: FANCL (FA complementation group L; minus strand). Cytogenetic location: 2p16.1.
Variant type: single nucleotide variant.
Coding change: c.692G>A on transcript NM_018062.4 (MANE Select); coding-DNA position 692, G replaced by A.
Protein change: p.Gly231Asp; replaces glycine 231 with aspartic acid.
Molecular consequence: missense variant.
Genome position (GRCh38, 1-based): chr2:58,163,517, C>T on the plus strand (G>A on the coding strand, the complement: FANCL is on the minus strand). VCF-style: chr2-58163517-C-T. GRCh37 (hg19) VCF-style: chr2-58390652-C-T.
Other names: c.707G>A, p.Gly236Asp (NM_001114636.2); c.737G>A, p.Gly246Asp (NM_001374615.1); c.752G>A, p.Gly251Asp (NM_001410792.1); short protein forms G231D, G236D, G246D, G251D.
Identifiers: ClinVar variation 571432 (VCV000571432.8), dbSNP rs1558737546, ClinGen allele CA346936064.

ClinVar aggregate classification (germline): Uncertain significance. Review status: criteria provided, multiple submitters, no conflicts (2 of 4 stars). 3 submissions from 3 submitters: Uncertain significance (3). Last evaluated 2023-11-14.

Conditions:
Inborn genetic diseases. Identifiers: MedGen C0950123, MeSH D030342.
Fanconi anemia (FA). Also called: Fanconi's anemia. Identifiers: Orphanet 84, MedGen C0015625, MeSH D005199, MONDO:0019391.
Fanconi anemia complementation group L (FANCL). Also called: FANCL-Related Fanconi Anemia. Identifiers: Orphanet 84, MedGen C3469528, MONDO:0013566, OMIM 614083.

Allele frequency attached by ClinVar (database versions not stated): gnomAD 0.00001; TOPMed 0.00002.
gnomAD v4.1: 2 of 1,570,740 alleles (0.00013%); highest among the groups gnomAD compares: Admixed American, 0.0017%; no homozygotes.

Submissions (3):

Ambry Genetics
Classification: Uncertain significance for Inborn genetic diseases. Last evaluated: 2023-11-14. Review status: criteria provided, single submitter. Criteria: Ambry Variant Classification Scheme 2023. Collection method: clinical testing. Allele origin: germline.

Labcorp Genetics (formerly Invitae), Labcorp
Classification: Uncertain significance for Fanconi anemia. Last evaluated: 2021-08-27. Review status: criteria provided, single submitter. Criteria: Invitae Variant Classification Sherloc (09022015). Collection method: clinical testing. Allele origin: germline.
Comment: This sequence change replaces glycine with aspartic acid at codon 231 of the FANCL protein (p.Gly231Asp). The glycine residue is highly conserved and there is a moderate physicochemical difference between glycine and aspartic acid. This variant is not present in population databases (ExAC no frequency). This variant has not been reported in the literature in individuals affected with FANCL-related conditions. Algorithms developed to predict the effect of missense changes on protein structure and function (SIFT, PolyPhen-2, Align-GVGD) all suggest that this variant is likely to be tolerated. In summary, the available evidence is currently insufficient to determine the role of this variant in disease. Therefore, it has been classified as a Variant of Uncertain Significance.

Fulgent Genetics
Classification: Uncertain significance for Fanconi anemia complementation group L. Last evaluated: 2021-07-17. Review status: criteria provided, single submitter. Criteria: ACMG Guidelines, 2015. Collection method: clinical testing. Allele origin: unknown.